The following is an entry in ClinVar:

NM_007294.4(BRCA1):c.5176A>G (p.Arg1726Gly)

Gene: BRCA1 (BRCA1 DNA repair associated; minus strand). Cytogenetic location: 17q21.31.
Variant type: single nucleotide variant.
Coding change: c.5176A>G on transcript NM_007294.4 (MANE Select); coding-DNA position 5176, A replaced by G.
Protein change: p.Arg1726Gly; replaces arginine 1726 with glycine.
Molecular consequence: missense variant. On other transcripts: non-coding transcript variant (1).
Genome position (GRCh38, 1-based): chr17:43,063,350, T>C on the plus strand (A>G on the coding strand, the complement: BRCA1 is on the minus strand). VCF-style: chr17-43063350-T-C. GRCh37 (hg19) VCF-style: chr17-41215367-T-C.
Other names: 5295A>G; c.5173A>G, p.Arg1725Gly (NM_001407859.1, NM_001407619.1, NM_001407620.1 and 17 more transcripts); c.4966A>G, p.Arg1656Gly (NM_001407885.1, NM_001407886.1, NM_001407887.1 and 5 more transcripts); c.4963A>G, p.Arg1655Gly (NM_001407894.1, NM_001407895.1, NM_001407896.1 and 12 more transcripts); c.4960A>G, p.Arg1654Gly (NM_001407916.1, NM_001407917.1, NM_001407918.1 and 1 more transcripts); c.5053A>G, p.Arg1685Gly (NM_001407919.1, NM_001407937.1, NM_001407938.1 and 6 more transcripts); c.4912A>G, p.Arg1638Gly (NM_001407920.1, NM_001407921.1, NM_001407922.1 and 4 more transcripts); c.4906A>G, p.Arg1636Gly (NM_001407935.1, NM_001407936.1, NM_001407934.1); and 73 more; short protein forms R1726G, R1679G, R1747G, R622G, R1598G, R1637G, R1677G, R1685G.
Identifiers: ClinVar variation 55443 (VCV000055443.65), dbSNP rs80357501, ClinGen allele CA003321.
Genomic context (GRCh38, chr17:43,063,350, plus strand): 5'-CTGAATGAATATCTCTGGTTAGTTTGTAACATCAAGTACTTACCTCATTCAGCATTTTTC[T>C]TTCTTTAATAGACTGGGTCACCCCTAAAGAGATCATAGAAAAGACAGGTTACATACAGCA-3'
Protein context (NP_009225.1, residues 1716-1736): YFWVTQSIKE[Arg1726Gly]KMLNEHDFEV

ClinVar aggregate classification (germline): Conflicting classifications of pathogenicity. Review status: criteria provided, conflicting classifications (1 of 4 stars). 13 submissions from 13 submitters: Uncertain significance (1); Benign (2); Likely benign (8). 2 of the submissions do not count toward it. Last evaluated 2026-01-25.

Conditions:
Breast and/or ovarian cancer. Identifiers: MedGen CN221562.
Hereditary cancer-predisposing syndrome. Also called: Hereditary Cancer Syndrome; Tumor predisposition; Neoplastic Syndromes, Hereditary; Hereditary neoplastic syndrome. Identifiers: Orphanet 140162, MedGen C0027672, MeSH D009386, MONDO:0015356.
Hereditary breast ovarian cancer syndrome. Also called: Breast and ovarian cancer; BRCA1- and BRCA2-Associated Hereditary Breast and Ovarian Cancer; Hereditary breast and ovarian cancer; Hereditary breast and ovarian cancer syndrome (HBOC); Hereditary breast and ovarian cancer syndrome; Hereditary breast and/or ovarian cancer syndrome. Identifiers: Orphanet 145, MedGen C0677776, MeSH D061325, MONDO:0003582. Disease mechanism: loss of function.
Breast-ovarian cancer, familial, susceptibility to, 1 (BROVCA1). Also called: BRCA1 Hereditary Breast and Ovarian Cancer; OVARIAN CANCER, SUSCEPTIBILITY TO. Identifiers: Orphanet 145, MedGen C2676676, MONDO:0011450, OMIM 604370. Disease mechanism: loss of function.

Allele frequency attached by ClinVar (database versions not stated): TOPMed 0.00001; gnomAD exomes 0.00002 and 0.00005; ExAC 0.00006.
gnomAD v4.1: 32 of 1,611,244 alleles (0.002%); highest among the groups gnomAD compares: Admixed American, 0.0033%; no homozygotes.

Submissions (14):

Labcorp Genetics (formerly Invitae), Labcorp
Classification: Likely benign for Hereditary breast ovarian cancer syndrome. Last evaluated: 2026-01-25. Review status: criteria provided, single submitter. Criteria: Invitae Variant Classification Sherloc (09022015). Collection method: clinical testing. Allele origin: germline.

Dasa
Classification: Likely benign for Breast-ovarian cancer, familial, susceptibility to, 1. Last evaluated: 2025-09-18. Review status: criteria provided, single submitter. Criteria: DASA Assertion Criteria. Collection method: clinical testing. Allele origin: germline.
Comment: NM_007294.4(BRCA1):c.5176A>G (p.Arg1726Gly) is a missense variant that results in the substitution of arginine with glycine. Population frequency is inconsistent with a disease-causing role for this variant. Computational prediction algorithms are consistent with a benign effect. Therefore, based on the currently available evidence, this variant is classified as likely benign.

CHEO Genetics Diagnostic Laboratory, Children's Hospital of Eastern Ontario
Classification: Likely benign for Breast and/or ovarian cancer. Last evaluated: 2023-02-22. Review status: criteria provided, single submitter. Criteria: ACMG Guidelines, 2015. Collection method: clinical testing. Allele origin: germline.

Quest Diagnostics Nichols Institute San Juan Capistrano
Classification: Likely benign. Last evaluated: 2023-02-21. Review status: criteria provided, single submitter. Criteria: Quest Diagnostics criteria. Collection method: clinical testing. Allele origin: unknown.

Blueprint Genetics
Classification: Likely benign. Last evaluated: 2023-01-13. Review status: criteria provided, single submitter. Criteria: ACMG Guidelines, 2015. Collection method: clinical testing. Allele origin: germline.

Institute for Clinical Genetics, University Hospital TU Dresden, University Hospital TU Dresden
Classification: Uncertain significance. Last evaluated: 2021-11-03. Review status: criteria provided, single submitter. Criteria: ACMG Guidelines, 2015. Collection method: clinical testing. Allele origin: germline.

Sema4
Classification: Likely benign for Hereditary cancer-predisposing syndrome. Last evaluated: 2021-03-24. Review status: criteria provided, single submitter. Criteria: Sema4 Curation Guidelines. Collection method: curation. Allele origin: germline.

CeGaT Center for Human Genetics Tuebingen
Classification: Likely benign. Last evaluated: 2020-10-01. Review status: criteria provided, single submitter. Criteria: CeGaT Center For Human Genetics Tuebingen Variant Classification Criteria Version 2. Collection method: clinical testing. Allele origin: germline. Affected: yes. Observed: 1 variant allele.

GeneDx
Classification: Likely benign. Last evaluated: 2017-07-06. Review status: criteria provided, single submitter. Criteria: GeneDx Variant Classification (06012015). Collection method: clinical testing. Allele origin: germline. Affected: yes.
Comment: This variant is considered likely benign or benign based on one or more of the following criteria: it is a conservative change, it occurs at a poorly conserved position in the protein, it is predicted to be benign by multiple in silico algorithms, and/or has population frequency not consistent with disease.

Color Diagnostics, LLC DBA Color Health
Classification: Benign for Hereditary cancer-predisposing syndrome. Last evaluated: 2017-05-02. Review status: criteria provided, single submitter. Criteria: ACMG Guidelines, 2015. Collection method: clinical testing. Allele origin: germline.

Ambry Genetics
Classification: Benign for Hereditary cancer-predisposing syndrome. Last evaluated: 2014-06-02. Review status: criteria provided, single submitter. Criteria: Ambry Variant Classification Scheme 2023. Collection method: clinical testing. Allele origin: germline.

Sharing Clinical Reports Project (SCRP)
Classification: Benign for Breast-ovarian cancer, familial 1. Last evaluated: 2012-05-01. Review status: no assertion criteria provided. Collection method: clinical testing. Allele origin: germline. Not counted in ClinVar's aggregate classification.

Breast Cancer Information Core (BIC) (BRCA1)
Classification: Uncertain significance for Breast-ovarian cancer, familial 1. Last evaluated: 2002-06-20. Review status: no assertion criteria provided. Collection method: clinical testing. Allele origin: germline. Affected: yes. Observed: 3 variant alleles. Not counted in ClinVar's aggregate classification.

Brotman Baty Institute, University of Washington
No classification provided (evidence only). Condition: Breast-ovarian cancer, familial 1. Review status: no classification provided. Collection method: in vitro. Allele origin: not applicable. Functional consequence: functionally_normal. Not counted in ClinVar's aggregate classification.
ClinVar note: "not provided" was previously submitted as the classification for the variant. However, the classification appeared to be based only on an observation of functional data so it was converted to no classification on 2025-07-30.

Literature cited by the submitters: PubMed 20516115 (cited by Quest Diagnostics Nichols Institute San Juan Capistrano and Ambry Genetics); PubMed 30209399 (cited by Quest Diagnostics Nichols Institute San Juan Capistrano and Sema4); PubMed 21447777 (cited by Quest Diagnostics Nichols Institute San Juan Capistrano and Ambry Genetics); PubMed 33471991 (cited by Quest Diagnostics Nichols Institute San Juan Capistrano and Sema4).